The following is an entry in ClinVar:

NM_001372106.1(DNAH10):c.11287C>A (p.Arg3763=)

Genes: DNAH10 (dynein axonemal heavy chain 10; plus strand), LOC126861667 (CDK7 strongly-dependent group 2 enhancer GRCh37_chr12:124402328-124403527; plus strand). Cytogenetic location: 12q24.31.
Variant type: single nucleotide variant.
Coding change: c.11287C>A on transcript NM_001372106.1 (MANE Select); coding-DNA position 11287, C replaced by A.
Protein change: p.Arg3763=; no amino-acid change (arginine 3763 retained).
Molecular consequence: synonymous variant.
Genome position (GRCh38, 1-based): chr12:123,918,730, C>A. VCF-style: chr12-123918730-C-A. GRCh37 (hg19) VCF-style: chr12-124403277-C-A.
Other names: c.10933C>A, p.Arg3645= (NM_001083900.1, NM_207437.3).
Identifiers: ClinVar variation 3043129 (VCV003043129.2), dbSNP rs368709232, ClinGen allele CA6865619.
Genomic context (GRCh38, chr12:123,918,730, plus strand): 5'-CTTCAGGTCTCAGAGAAACTCAAGCTGGCGGAGAAGACAGCCTTGGACATCGACAGGCTG[C>A]GGGATGGCTACCGGCCAGCAGCCAGGAGGGGGGCCATCCTGTTCTTCGTCCTGTCTGAGA-3'
Protein context (NP_001359035.1, residues 3753-3773): EKTALDIDRL[Arg3763=]DGYRPAARRG

ClinVar aggregate classification (germline): Likely benign (0 of 4 stars; one submission).

Conditions:
DNAH10-related disorder. Also called: DNAH10-related condition.

gnomAD v4.1: 7 of 1,597,694 alleles (0.00044%); highest among the groups gnomAD compares: Admixed American, 0.0017%; no homozygotes.

Submission:

PreventionGenetics, part of Exact Sciences
Classification: Likely benign for DNAH10-related condition. Last evaluated: 2019-07-10. Review status: no assertion criteria provided. Collection method: clinical testing. Allele origin: germline.
Comment: This variant is classified as likely benign based on ACMG/AMP sequence variant interpretation guidelines (Richards et al. 2015 PMID: 25741868, with internal and published modifications).